The following is an entry in ClinVar:

ClinVar aggregate classification (germline): Conflicting classifications of pathogenicity. Review status: criteria provided, conflicting classifications (1 of 4 stars). 7 submissions from 7 submitters: Uncertain significance (5); Benign (1). 1 of the submissions does not count toward it. Last evaluated 2025-12-10.

Conditions:
Hereditary cancer-predisposing syndrome. Also called: Tumor predisposition; Hereditary neoplastic syndrome; Neoplastic Syndromes, Hereditary; Hereditary Cancer Syndrome. Identifiers: Orphanet 140162, MedGen C0027672, MeSH D009386, MONDO:0015356.
Breast-ovarian cancer, familial, susceptibility to, 3. Also called: RAD51C-Related Breast/Ovarian Cancer. Identifiers: Orphanet 145, MedGen C3150659, MONDO:0013253, OMIM 613399.
Fanconi anemia complementation group O. Also called: RAD51C-Related Fanconi Anemia. Identifiers: Orphanet 84, MedGen C3150653, MONDO:0013248, OMIM 613390.

Allele frequency attached by ClinVar (database versions not stated): gnomAD exomes below 0.00001.
gnomAD v4.1: 1 of 1,614,200 alleles (0.000062%); highest among the groups gnomAD compares: Non-Finnish European, 0.000085%; no homozygotes.

Submissions (7):

Labcorp Genetics (formerly Invitae), Labcorp
Classification: Uncertain significance for Fanconi anemia complementation group O. Last evaluated: 2025-12-10. Review status: criteria provided, single submitter. Criteria: Invitae Variant Classification Sherloc (09022015). Collection method: clinical testing. Allele origin: germline.
Comment: This sequence change replaces threonine, which is neutral and polar, with alanine, which is neutral and non-polar, at codon 174 of the RAD51C protein (p.Thr174Ala). This variant is not present in population databases (gnomAD no frequency). This missense change has been observed in individual(s) with breast and/or ovarian cancer (PMID: 29522266). ClinVar contains an entry for this variant (Variation ID: 219853). Invitae Evidence Modeling of protein sequence and biophysical properties (such as structural, functional, and spatial information, amino acid conservation, physicochemical variation, residue mobility, and thermodynamic stability) indicates that this missense variant is not expected to disrupt RAD51C protein function with a negative predictive value of 80%. In summary, the available evidence is currently insufficient to determine the role of this variant in disease. Therefore, it has been classified as a Variant of Uncertain Significance.

Ambry Genetics
Classification: Benign for Hereditary cancer-predisposing syndrome. Last evaluated: 2025-10-28. Review status: criteria provided, single submitter. Criteria: Ambry Variant Classification Scheme 2023. Collection method: clinical testing. Allele origin: germline.

Baylor Genetics
Classification: Uncertain significance for Breast-ovarian cancer, familial, susceptibility to, 3. Last evaluated: 2023-11-21. Review status: criteria provided, single submitter. Criteria: ACMG Guidelines, 2015. Collection method: clinical testing. Allele origin: unknown.

GeneDx
Classification: Uncertain significance. Last evaluated: 2023-08-15. Review status: criteria provided, single submitter. Criteria: GeneDx Variant Classification Process June 2021. Collection method: clinical testing. Allele origin: germline. Affected: yes.
Comment: Not observed at significant frequency in large population cohorts (gnomAD); In silico analysis supports that this missense variant does not alter protein structure/function; Observed in an individual with breast cancer (Hauke et al., 2018); This variant is associated with the following publications: (PMID: 14704354, 29522266)

Myriad Genetics, Inc.
Classification: Uncertain significance for Breast-ovarian cancer, familial, susceptibility to, 3. Last evaluated: 2023-04-05. Review status: criteria provided, single submitter. Criteria: Myriad Autosomal Dominant, Autosomal Recessive and X-Linked Classification Criteria (2023). Collection method: clinical testing. Allele origin: unknown.
Comment: This variant is classified as a variant of uncertain significance as there is insufficient evidence to determine its impact on protein function and/or cancer risk.

Quest Diagnostics Nichols Institute San Juan Capistrano
Classification: Uncertain significance. Last evaluated: 2021-01-22. Review status: criteria provided, single submitter. Criteria: Quest Diagnostics criteria. Collection method: clinical testing. Allele origin: unknown.

Counsyl
Classification: Uncertain significance for Fanconi anemia complementation group O; Breast-ovarian cancer, familial, susceptibility to, 3. Last evaluated: 2018-04-24. Review status: no assertion criteria provided. Collection method: clinical testing. Allele origin: unknown. Not counted in ClinVar's aggregate classification.

Literature cited by the submitters: PubMed 29522266 (cited by 3 submitters).

NM_058216.3(RAD51C):c.520A>G (p.Thr174Ala)

Gene: RAD51C (RAD51 paralog C; plus strand). Cytogenetic location: 17q22.
Variant type: single nucleotide variant.
Coding change: c.520A>G on transcript NM_058216.3 (MANE Select); coding-DNA position 520, A replaced by G.
Protein change: p.Thr174Ala; replaces threonine 174 with alanine.
Molecular consequence: missense variant.
Genome position (GRCh38, 1-based): chr17:58,696,808, A>G. VCF-style: chr17-58696808-A-G. GRCh37 (hg19) VCF-style: chr17-56774169-A-G.
Other names: c.520A>G (LRG_314t1); short protein forms T174A.
Identifiers: ClinVar variation 219853 (VCV000219853.23), dbSNP rs864622278, ClinGen allele CA349183.
Genomic context (GRCh38, chr17:58,696,808, plus strand): 5'-GAAGCAGTTTTTATTGATACAGAGGGAAGTTTTATGGTTGATAGAGTGGTAGACCTTGCT[A>G]CTGCCTGCATTCAGCACCTTCAGCTTATAGCAGAAAAACACAAGGGAGAGGGTAAGTTAG-3'
Protein context (NP_478123.1, residues 164-184): FMVDRVVDLA[Thr174Ala]ACIQHLQLIA